The following is an entry in ClinVar:

ClinVar aggregate classification (germline): Uncertain significance. Review status: criteria provided, multiple submitters, no conflicts (2 of 4 stars). 2 submissions from 2 submitters: Uncertain significance (2). Last evaluated 2024-01-30.

Allele frequency attached by ClinVar (database versions not stated): gnomAD exomes 0.00002; gnomAD 0.00003; ExAC 0.00004; TOPMed 0.00005.
gnomAD v4.1: 28 of 1,608,798 alleles (0.0017%); highest among the groups gnomAD compares: East Asian, 0.058%; no homozygotes.

Submissions (2):

Ambry Genetics
Classification: Uncertain significance. Last evaluated: 2024-01-30. Review status: criteria provided, single submitter. Criteria: Ambry Variant Classification Scheme 2023. Collection method: clinical testing. Allele origin: germline.

Labcorp Genetics (formerly Invitae), Labcorp
Classification: Uncertain significance. Last evaluated: 2023-02-14. Review status: criteria provided, single submitter. Criteria: Invitae Variant Classification Sherloc (09022015). Collection method: clinical testing. Allele origin: germline.
Comment: This sequence change replaces serine, which is neutral and polar, with asparagine, which is neutral and polar, at codon 251 of the ZNF687 protein (p.Ser251Asn). This variant is present in population databases (rs756296214, gnomAD 0.07%), and has an allele count higher than expected for a pathogenic variant. This variant has not been reported in the literature in individuals affected with ZNF687-related conditions. An algorithm developed to predict the effect of missense changes on protein structure and function (PolyPhen-2) suggests that this variant is likely to be tolerated. In summary, the available evidence is currently insufficient to determine the role of this variant in disease. Therefore, it has been classified as a Variant of Uncertain Significance.

NM_020832.3(ZNF687):c.752G>A (p.Ser251Asn)

Gene: ZNF687 (zinc finger protein 687; plus strand). Cytogenetic location: 1q21.3.
Variant type: single nucleotide variant.
Coding change: c.752G>A on transcript NM_020832.3 (MANE Select); coding-DNA position 752, G replaced by A.
Protein change: p.Ser251Asn; replaces serine 251 with asparagine.
Molecular consequence: missense variant.
Genome position (GRCh38, 1-based): chr1:151,287,043, G>A. VCF-style: chr1-151287043-G-A. GRCh37 (hg19) VCF-style: chr1-151259519-G-A.
Other names: c.752G>A, p.Ser251Asn (NM_001304763.2, NM_001304764.2); short protein forms S251N.
Identifiers: ClinVar variation 1979151 (VCV001979151.5), dbSNP rs756296214, ClinGen allele CA1088208.